The following is an entry in ClinVar:

ClinVar aggregate classification (germline): Likely benign. Review status: criteria provided, multiple submitters, no conflicts (2 of 4 stars). 4 submissions from 4 submitters: Likely benign (4). Last evaluated 2026-01-12.

Conditions:
Cardiovascular phenotype. Identifiers: MedGen CN230736.
Cardiomyopathy (CMYO). Also called: Cardiomyopathies. Identifiers: Orphanet 167848, MedGen C0878544, MONDO:0004994, HP:0001638. Inheritance: Various modes of inheritance.
Arrhythmogenic right ventricular dysplasia 11. Also called: ARRHYTHMOGENIC RIGHT VENTRICULAR DYSPLASIA, FAMILIAL, 11; Arrhythmogenic Right Ventricular Dysplasia/Cardiomyopathy11; Arrhythmogenic right ventricular dysplasia 11 with mild palmoplantar keratoderma and woolly hair. Identifiers: MedGen C1864850, MONDO:0012506, OMIM 610476.
Familial isolated arrhythmogenic right ventricular dysplasia. Identifiers: Orphanet 217656, MedGen C4274968, MONDO:0016342.

Allele frequency attached by ClinVar (database versions not stated): gnomAD exomes 0.00002 and 0.00001; ESP Exome Variant Server 0.00008; ExAC 0.00002.
gnomAD v4.1: 16 of 1,614,062 alleles (0.00099%); highest among the groups gnomAD compares: Middle Eastern, 0.017%; no homozygotes.

Submissions (4):

Labcorp Genetics (formerly Invitae), Labcorp
Classification: Likely benign for Arrhythmogenic right ventricular dysplasia 11. Last evaluated: 2026-01-12. Review status: criteria provided, single submitter. Criteria: Invitae Variant Classification Sherloc (09022015). Collection method: clinical testing. Allele origin: germline.

Ambry Genetics
Classification: Likely benign for Cardiovascular phenotype. Last evaluated: 2024-11-27. Review status: criteria provided, single submitter. Criteria: Ambry Variant Classification Scheme 2023. Collection method: clinical testing. Allele origin: germline.

All of Us Research Program, National Institutes of Health
Classification: Likely benign for Familial isolated arrhythmogenic right ventricular dysplasia. Last evaluated: 2024-02-05. Review status: criteria provided, single submitter. Criteria: ACMG Guidelines, 2015. Collection method: clinical testing. Allele origin: germline. Inheritance: Autosomal dominant inheritance. Observed: 3 variant alleles, 3 heterozygotes.
Comment: This study involves interpretation of variants in research participants for the purpose of population health screening. Participant phenotype was not available at the time of variant classification. Additional details can be found in publication PMID: 35346344, PMCID: PMC8962531

Color Diagnostics, LLC DBA Color Health
Classification: Likely benign for Cardiomyopathy. Last evaluated: 2019-06-30. Review status: criteria provided, single submitter. Criteria: ACMG Guidelines, 2015. Collection method: clinical testing. Allele origin: germline.

NM_024422.6(DSC2):c.2571T>C (p.Tyr857=)

Gene: DSC2 (desmocollin 2; minus strand). Cytogenetic location: 18q12.1.
Variant type: single nucleotide variant.
Coding change: c.2571T>C on transcript NM_024422.6 (MANE Select); coding-DNA position 2571, T replaced by C.
Protein change: p.Tyr857=; no amino-acid change (tyrosine 857 retained).
Molecular consequence: synonymous variant. On other transcripts: 3 prime UTR variant (1).
Genome position (GRCh38, 1-based): chr18:31,068,150, A>G on the plus strand (T>C on the coding strand, the complement: DSC2 is on the minus strand). VCF-style: chr18-31068150-A-G. GRCh37 (hg19) VCF-style: chr18-28648116-A-G.
Other names: c.*73T>C (NM_004949.5).
Identifiers: ClinVar variation 921658 (VCV000921658.12), dbSNP rs370144781, ClinGen allele CA039710.
Genomic context (GRCh38, chr18:31,068,150, plus strand): 5'-TTCTTGTCGTTCACTGCAACAACCTACAGACCCAGCCACCGATCCTCTTCCTTCATAGTT[A>G]TATGTCAGGACATAGTCTTGGGCATGCTTGTGATTTTCATCTTGATTACACAGATACACT-3'
Protein context (NP_077740.1, residues 847-867): HKHAQDYVLT[Tyr857=]NYEGRGSVAG